The following is an entry in ClinVar:

NM_006231.4(POLE):c.424-1G>A

Gene: POLE (DNA polymerase epsilon, catalytic subunit; minus strand). Cytogenetic location: 12q24.33.
Variant type: single nucleotide variant.
Coding change: c.424-1G>A on transcript NM_006231.4 (MANE Select); the canonical splice acceptor site of the intron before coding-DNA position 424, G replaced by A.
Molecular consequence: splice acceptor variant.
Genome position (GRCh38, 1-based): chr12:132,679,652, C>T on the plus strand (G>A on the coding strand, the complement: POLE is on the minus strand). VCF-style: chr12-132679652-C-T. GRCh37 (hg19) VCF-style: chr12-133256238-C-T.
Identifiers: ClinVar variation 484523 (VCV000484523.15), dbSNP rs1555230115, ClinGen allele CA387367674.

ClinVar aggregate classification (germline): Conflicting classifications of pathogenicity. Review status: criteria provided, conflicting classifications (1 of 4 stars). 2 submissions from 2 submitters: Likely pathogenic (1); Uncertain significance (1). Last evaluated 2026-01-09.

Conditions:
Hereditary cancer-predisposing syndrome. Also called: Tumor predisposition; Hereditary Cancer Syndrome; Neoplastic Syndromes, Hereditary; Hereditary neoplastic syndrome. Identifiers: Orphanet 140162, MedGen C0027672, MeSH D009386, MONDO:0015356.

Allele frequency attached by ClinVar (database versions not stated): gnomAD exomes below 0.00001.
gnomAD v4.1: 1 of 1,607,416 alleles (0.000062%); highest among the groups gnomAD compares: Non-Finnish European, 0.000085%; no homozygotes.

Submissions (2):

Ambry Genetics
Classification: Uncertain significance for Hereditary cancer-predisposing syndrome. Last evaluated: 2026-01-09. Review status: criteria provided, single submitter. Criteria: Ambry Variant Classification Scheme 2023. Collection method: clinical testing. Allele origin: germline.
Comment: The c.424-1G>A intronic variant results from a G to A substitution one nucleotide upstream from coding exon 6 of the POLE gene. Alterations that disrupt the canonical splice site are expected to result in aberrant splicing. In silico splice site analysis predicts that this alteration will weaken the native splice acceptor site and will result in the creation or strengthening of a novel splice acceptor site. RNA studies have demonstrated that this alteration results in a transcript predicted to lead to a protein with an in-frame deletion of 8 amino acids; however, the exact functional impact of the deleted amino acids is unknown at this time (Ambry internal data). This nucleotide position is highly conserved in available vertebrate species. Based on the available evidence, the clinical significance of this variant remains unclear.

Labcorp Genetics (formerly Invitae), Labcorp
Classification: Likely pathogenic. Last evaluated: 2025-05-15. Review status: criteria provided, single submitter. Criteria: Invitae Variant Classification Sherloc (09022015). Collection method: clinical testing. Allele origin: germline.
Comment: This sequence change affects an acceptor splice site in intron 5 of the POLE gene. It is expected to disrupt RNA splicing. Variants that disrupt the donor or acceptor splice site typically lead to a loss of protein function (PMID: 16199547), and loss-of-function variants in POLE are known to be pathogenic (PMID: 23230001, 25948378, 30503519). This variant is not present in population databases (gnomAD no frequency). This variant has not been reported in the literature in individuals affected with POLE-related conditions. ClinVar contains an entry for this variant (Variation ID: 484523). Algorithms developed to predict the effect of sequence changes on RNA splicing suggest that this variant may disrupt the consensus splice site. In summary, the currently available evidence indicates that the variant is pathogenic, but additional data are needed to prove that conclusively. Therefore, this variant has been classified as Likely Pathogenic.

Literature cited by the submitters: PubMed 16199547 (cited by Labcorp Genetics (formerly Invitae), Labcorp); PubMed 23230001 (cited by Labcorp Genetics (formerly Invitae), Labcorp); PubMed 25948378 (cited by Labcorp Genetics (formerly Invitae), Labcorp); PubMed 30503519 (cited by Labcorp Genetics (formerly Invitae), Labcorp).